The following is an entry in ClinVar:

NM_033028.5(BBS4):c.156+5G>C

Gene: BBS4 (Bardet-Biedl syndrome 4; plus strand). Cytogenetic location: 15q24.1.
Variant type: single nucleotide variant.
Coding change: c.156+5G>C on transcript NM_033028.5 (MANE Select); 5 bases into the intron after coding-DNA position 156, G replaced by C.
Molecular consequence: intron variant.
Genome position (GRCh38, 1-based): chr15:72,709,784, G>C. VCF-style: chr15-72709784-G-C. GRCh37 (hg19) VCF-style: chr15-73002125-G-C.
Other names: c.156+5G>C (NM_001320665.2); c.-366+5G>C (NM_001252678.2).
Identifiers: ClinVar variation 3356756 (VCV003356756.1).

ClinVar aggregate classification (germline): Likely benign (0 of 4 stars; one submission).

Conditions:
BBS4-related disorder. Also called: BBS4-related condition.

gnomAD v4.1: 2 of 1,610,406 alleles (0.00012%); highest among the groups gnomAD compares: Non-Finnish European, 0.00017%; no homozygotes.

Submission:

PreventionGenetics, part of Exact Sciences
Classification: Likely benign for BBS4-related condition. Last evaluated: 2023-08-30. Review status: no assertion criteria provided. Collection method: clinical testing. Allele origin: germline.
Comment: This variant is classified as likely benign based on ACMG/AMP sequence variant interpretation guidelines (Richards et al. 2015 PMID: 25741868, with internal and published modifications).